The following is an entry in ClinVar:

ClinVar aggregate classification (germline): Uncertain significance (1 of 4 stars; one submission).

Submission:

Women's Health and Genetics/Laboratory Corporation of America, LabCorp
Classification: Uncertain significance. Last evaluated: 2026-06-29. Review status: criteria provided, single submitter. Criteria: LabCorp Variant Classification Summary - May 2015. Collection method: clinical testing. Allele origin: germline.
Comment: Variant summary: HCK c.988T>C (p.Tyr330His) results in a conservative amino acid change in the encoded protein sequence. Algorithms developed to predict the effect of missense changes on protein structure and function are either unavailable or do not agree on the potential impact of this missense change. The variant was absent in 225256 control chromosomes. The available data on variant occurrences in the general population are insufficient to allow any conclusion about variant significance. To our knowledge, no occurrence of c.988T>C in individuals affected with HCK-related conditions and no experimental evidence demonstrating its impact on protein function have been reported. No submitters have cited clinical-significance assessments for this variant to ClinVar. Based on the evidence outlined above, the variant was classified as uncertain significance.

NM_002110.5(HCK):c.988T>C (p.Tyr330His)

Gene: HCK (HCK proto-oncogene, Src family tyrosine kinase; plus strand). Cytogenetic location: 20q11.21.
Variant type: single nucleotide variant.
Coding change: c.988T>C on transcript NM_002110.5 (MANE Select); coding-DNA position 988, T replaced by C.
Protein change: p.Tyr330His; replaces tyrosine 330 with histidine.
Molecular consequence: missense variant.
Genome position (GRCh38, 1-based): chr20:32,086,780, T>C. VCF-style: chr20-32086780-T-C. GRCh37 (hg19) VCF-style: chr20-30674583-T-C.
Other names: c.925T>C, p.Tyr309His (NM_001172129.3, NM_001172133.3); c.985T>C, p.Tyr329His (NM_001172130.3); c.922T>C, p.Tyr308His (NM_001172131.3); c.928T>C, p.Tyr310His (NM_001172132.3); short protein forms Y308H, Y309H, Y310H, Y329H, Y330H.
Identifiers: ClinVar variation 4887450 (VCV004887450.1).